The following is an entry in ClinVar:

NM_147127.5(EVC2):c.451-1_452del

Gene: EVC2 (EvC ciliary complex subunit 2; minus strand). Cytogenetic location: 4p16.2.
Variant type: Microsatellite.
Coding change: c.451-1_452del on transcript NM_147127.5 (MANE Select); the canonical splice acceptor site of the intron before coding-DNA position 451 through coding-DNA position 452, 3 bases deleted (GTA; older notation c.451-1_452delGTA).
Molecular consequence: splice acceptor variant.
Genome position (GRCh38, 1-based): chr4:5,691,332-5,691,334, TAC deleted on the plus strand (GTA on the coding strand, the reverse complement: EVC2 is on the minus strand); deleting any 3 consecutive bases within chr4:5,691,332-5,691,337 gives the same sequence; the c. name uses the placement nearest the transcript's 3' end. VCF-style (leftmost placement, unchanged base first): chr4-5691331-ATAC-A. GRCh37 (hg19) VCF-style: chr4-5693058-ATAC-A.
Other names: c.211-1_212del (NM_001166136.2).
Identifiers: ClinVar variation 970252 (VCV000970252.8), dbSNP rs1721107398, ClinGen allele CA1435458058.

ClinVar aggregate classification (germline): Likely pathogenic. Review status: criteria provided, multiple submitters, no conflicts (2 of 4 stars). 2 submissions from 2 submitters: Likely pathogenic (2). Last evaluated 2024-04-26.

Conditions:
Curry-Hall syndrome (WAD). Also called: WEYERS ACRODENTAL DYSOSTOSIS. Identifiers: Orphanet 952, MedGen C0457013, MONDO:0008673, OMIM 193530.
Ellis-van Creveld syndrome (EVC). Also called: EVC-Related Ellis-van Creveld Syndrome; EVC2-Related Ellis-van Creveld Syndrome; MESOECTODERMAL DYSPLASIA; Chondroectodermal dysplasia. Identifiers: Orphanet 289, MedGen C0013903, MONDO:0009162, OMIM 225500.

Submissions (2):

Fulgent Genetics
Classification: Likely pathogenic for Curry-Hall syndrome; Ellis-van Creveld syndrome. Last evaluated: 2024-04-26. Review status: criteria provided, single submitter. Criteria: ACMG Guidelines, 2015. Collection method: clinical testing. Allele origin: germline.

Labcorp Genetics (formerly Invitae), Labcorp
Classification: Likely pathogenic for Curry-Hall syndrome; Ellis-van Creveld syndrome. Last evaluated: 2021-09-29. Review status: criteria provided, single submitter. Criteria: Invitae Variant Classification Sherloc (09022015). Collection method: clinical testing. Allele origin: germline.
Comment: In summary, the currently available evidence indicates that the variant is pathogenic, but additional data are needed to prove that conclusively. Therefore, this variant has been classified as Likely Pathogenic. Algorithms developed to predict the effect of sequence changes on RNA splicing suggest that this variant may disrupt the consensus splice site. This variant has not been reported in the literature in individuals affected with EVC2-related conditions. This variant is not present in population databases (ExAC no frequency). This sequence change affects an acceptor splice site in intron 3 of the EVC2 gene. It is expected to disrupt RNA splicing. Variants that disrupt the donor or acceptor splice site typically lead to a loss of protein function (PMID: 16199547), and loss-of-function variants in EVC2 are known to be pathogenic (PMID: 17024374, 19810119, 19876929).

Literature cited by the submitters: PubMed 16199547 (cited by Labcorp Genetics (formerly Invitae), Labcorp); PubMed 17024374 (cited by Labcorp Genetics (formerly Invitae), Labcorp); PubMed 19810119 (cited by Labcorp Genetics (formerly Invitae), Labcorp); PubMed 19876929 (cited by Labcorp Genetics (formerly Invitae), Labcorp).